The following is an entry in ClinVar:

ClinVar aggregate classification (germline): Benign (1 of 4 stars; one submission).

Conditions:
Holoprosencephaly 11 (HPE11). Identifiers: Orphanet 2162, MedGen C3280215, MONDO:0013642, OMIM 614226.

Allele frequency attached by ClinVar (database versions not stated): gnomAD 0.01820 and 0.01681; 1000 Genomes Project 0.01717; TOPMed 0.01924; 1000 Genomes Project 30x 0.01936.

Submission:

Illumina Laboratory Services, Illumina
Classification: Benign for Holoprosencephaly 11. Last evaluated: 2018-01-12. Review status: criteria provided, single submitter. Criteria: ICSL Variant Classification Criteria 13 December 2019. Collection method: clinical testing. Allele origin: germline.
Comment: This variant was observed in the ICSL laboratory as part of a predisposition screen in an ostensibly healthy population. It had not been previously curated by ICSL or reported in the Human Gene Mutation Database (HGMD: prior to June 1st, 2018), and was therefore a candidate for classification through an automated scoring system. Utilizing variant allele frequency, disease prevalence and penetrance estimates, and inheritance mode, an automated score was calculated to assess if this variant is too frequent to cause the disease. Based on the score and internal cut-off values, a variant classified as benign is not then subjected to further curation. The score for this variant resulted in a classification of benign for this disease.

NM_001378964.1(CDON):c.*2717C>T

Gene: CDON (cell adhesion associated, oncogene regulated; minus strand). Cytogenetic location: 11q24.2.
Variant type: single nucleotide variant.
Coding change: c.*2717C>T on transcript NM_001378964.1 (MANE Select); 2717 bases downstream of the stop codon, C replaced by T.
Molecular consequence: 3 prime UTR variant.
Genome position (GRCh38, 1-based): chr11:125,958,225, G>A on the plus strand (C>T on the coding strand, the complement: CDON is on the minus strand). VCF-style: chr11-125958225-G-A. GRCh37 (hg19) VCF-style: chr11-125828120-G-A.
Other names: c.*2717C>T (NM_001243597.3, NM_016952.6).
Identifiers: ClinVar variation 303402 (VCV000303402.5), dbSNP rs12294553, ClinGen allele CA10634013.
Genomic context (GRCh38, chr11:125,958,225, plus strand): 5'-ATACGGAACGGGACTGGTTCCATCCAAAGAGTGAACCACAATGCTTTTGGAAAGCAGTAT[G>A]GAAAAATGGGAGGAGCCCAGATTATGGCTCCAGATAAACTAGGTTCGGATTCAGGTCCCA-3'